The following is an entry in ClinVar:

NM_020461.4(TUBGCP6):c.5392G>A (p.Gly1798Ser)

Gene: TUBGCP6 (tubulin gamma complex component 6; minus strand). Cytogenetic location: 22q13.33.
Variant type: single nucleotide variant.
Coding change: c.5392G>A on transcript NM_020461.4 (MANE Select); coding-DNA position 5392, G replaced by A.
Protein change: p.Gly1798Ser; replaces glycine 1798 with serine.
Molecular consequence: missense variant.
Genome position (GRCh38, 1-based): chr22:50,217,804, C>T on the plus strand (G>A on the coding strand, the complement: TUBGCP6 is on the minus strand). VCF-style: chr22-50217804-C-T. GRCh37 (hg19) VCF-style: chr22-50656233-C-T.
Other names: short protein forms G1798S.
Identifiers: ClinVar variation 1019877 (VCV001019877.7), dbSNP rs150137904, ClinGen allele CA10307015.

ClinVar aggregate classification (germline): Uncertain significance. Review status: criteria provided, multiple submitters, no conflicts (2 of 4 stars). 2 submissions from 2 submitters: Uncertain significance (2). Last evaluated 2022-07-25.

Allele frequency attached by ClinVar (database versions not stated): ExAC 0.00001; TOPMed 0.00002; gnomAD exomes 0.00001; gnomAD 0.00003; ESP Exome Variant Server 0.00008.
gnomAD v4.1: 14 of 1,613,828 alleles (0.00087%); highest among the groups gnomAD compares: African/African-American, 0.0053%; no homozygotes.

Submissions (2):

Labcorp Genetics (formerly Invitae), Labcorp
Classification: Uncertain significance. Last evaluated: 2022-07-25. Review status: criteria provided, single submitter. Criteria: Invitae Variant Classification Sherloc (09022015). Collection method: clinical testing. Allele origin: germline.
Comment: In summary, the available evidence is currently insufficient to determine the role of this variant in disease. Therefore, it has been classified as a Variant of Uncertain Significance. Algorithms developed to predict the effect of sequence changes on RNA splicing suggest that this variant may disrupt the consensus splice site. Algorithms developed to predict the effect of missense changes on protein structure and function are either unavailable or do not agree on the potential impact of this missense change (SIFT: "Deleterious"; PolyPhen-2: "Probably Damaging"; Align-GVGD: "Class C0"). ClinVar contains an entry for this variant (Variation ID: 1019877). This variant has not been reported in the literature in individuals affected with TUBGCP6-related conditions. This variant is present in population databases (rs150137904, gnomAD 0.004%). This sequence change replaces glycine, which is neutral and non-polar, with serine, which is neutral and polar, at codon 1798 of the TUBGCP6 protein (p.Gly1798Ser).

GeneDx
Classification: Uncertain significance. Last evaluated: 2019-09-30. Review status: criteria provided, single submitter. Criteria: GeneDx Variant Classification Process June 2021. Collection method: clinical testing. Allele origin: germline. Affected: yes.
Comment: Not observed at a significant frequency in large population cohorts (Lek et al., 2016); In silico analysis, which includes protein predictors and evolutionary conservation, supports a deleterious effect; In-silico analysis, which includes splice predictors and evolutionary conservation, is inconclusive as to whether the variant alters gene splicing. In the absence of RNA/functional studies, the actual effect of this sequence change is unknown; Has not been previously published as pathogenic or benign to our knowledge